The following is an entry in ClinVar:

ClinVar aggregate classification (germline): Likely pathogenic (1 of 4 stars; one submission).

Conditions:
Cranioectodermal dysplasia 2 (CED2). Identifiers: Orphanet 1515, MedGen C3150874, MONDO:0013323, OMIM 613610.
Short-rib thoracic dysplasia 7 with or without polydactyly (SRTD7). Also called: SHORT-RIB THORACIC DYSPLASIA 7 WITH POLYDACTYLY; Short rib polydactyly syndrome 5. Identifiers: Orphanet 498497, Orphanet 93271, MedGen C3279792, MONDO:0013569, OMIM 614091.

Submission:

Labcorp Genetics (formerly Invitae), Labcorp
Classification: Likely pathogenic for Cranioectodermal dysplasia 2; Short-rib thoracic dysplasia 7 with or without polydactyly. Last evaluated: 2017-03-19. Review status: criteria provided, single submitter. Criteria: Invitae Variant Classification Sherloc (09022015). Collection method: clinical testing. Allele origin: germline.
Comment: In summary, donor and acceptor splice site variants are typically loss-of-function (PMID: 16199547), and loss-of-function variants in WDR35 are known to be pathogenic (PMID: 25908617, 21473986). However, without additional functional and/or genetic data, this variant has been classified as Likely Pathogenic. This variant has not been reported in the literature in individuals with a WDR35-related disease. This sequence change deletes 30 nucleotides from intron 17 and 3 nucleotides from exon 18 of the WDR35 mRNA (c.1879-30_1881del). It affects acceptor splice site in intron 17 and is expected to disrupt RNA splicing and likely results in an absent or disrupted protein product.

Literature cited by the submitters: PubMed 16199547; PubMed 25908617; PubMed 21473986.

NM_020779.4(WDR35):c.1846-30_1848del

Gene: WDR35 (WD repeat domain 35; minus strand). Cytogenetic location: 2p24.1.
Variant type: Deletion.
Coding change: c.1846-30_1848del on transcript NM_020779.4 (MANE Select); 30 bases into the intron before coding-DNA position 1846 through coding-DNA position 1848, 33 bases deleted.
Molecular consequence: splice acceptor variant.
Genome position (GRCh38, 1-based): chr2:19,941,837-19,941,869, 33 bases deleted; deleting any 33 consecutive bases within chr2:19,941,837-19,941,871 gives the same sequence; the c. name uses the placement nearest the transcript's 3' end. GRCh37 (hg19): chr2:20,141,600-20,141,632.
Other names: c.1879-30_1881del (NM_001006657.2).
Identifiers: ClinVar variation 471484 (VCV000471484.8), dbSNP rs1553317813, ClinGen allele CA658657011.